The following is an entry in ClinVar:

NM_199420.4(POLQ):c.3673A>G (p.Ser1225Gly)

Gene: POLQ (DNA polymerase theta; minus strand). Cytogenetic location: 3q13.33.
Variant type: single nucleotide variant.
Coding change: c.3673A>G on transcript NM_199420.4 (MANE Select); coding-DNA position 3673, A replaced by G.
Protein change: p.Ser1225Gly; replaces serine 1225 with glycine.
Molecular consequence: missense variant.
Genome position (GRCh38, 1-based): chr3:121,489,258, T>C on the plus strand (A>G on the coding strand, the complement: POLQ is on the minus strand). VCF-style: chr3-121489258-T-C. GRCh37 (hg19) VCF-style: chr3-121208105-T-C.
Other names: short protein forms S1225G.
Identifiers: ClinVar variation 1733808 (VCV001733808.2), dbSNP rs2546787098, ClinGen allele CA354098152.

ClinVar aggregate classification (germline): Uncertain significance (1 of 4 stars; one submission).

Submission:

Ambry Genetics
Classification: Uncertain significance. Last evaluated: 2022-04-22. Review status: criteria provided, single submitter. Criteria: Ambry Variant Classification Scheme 2023. Collection method: clinical testing. Allele origin: germline.
Comment: The p.S1225G variant (also known as c.3673A>G), located in coding exon 16 of the POLQ gene, results from an A to G substitution at nucleotide position 3673. The serine at codon 1225 is replaced by glycine, an amino acid with similar properties. This amino acid position is conserved. In addition, this alteration is predicted to be tolerated by in silico analysis. Since supporting evidence is limited at this time, the clinical significance of this alteration remains unclear.